The following is an entry in ClinVar:

NM_001276345.2(TNNT2):c.642G>A (p.Glu214=)

Gene: TNNT2 (troponin T2, cardiac type; minus strand). Cytogenetic location: 1q32.1.
Variant type: single nucleotide variant.
Coding change: c.642G>A on transcript NM_001276345.2 (MANE Select); coding-DNA position 642, G replaced by A.
Protein change: p.Glu214=; no amino-acid change (glutamic acid 214 retained).
Molecular consequence: synonymous variant.
Genome position (GRCh38, 1-based): chr1:201,361,990, C>T on the plus strand (G>A on the coding strand, the complement: TNNT2 is on the minus strand). VCF-style: chr1-201361990-C-T. GRCh37 (hg19) VCF-style: chr1-201331118-C-T.
Other names: c.633G>A, p.Glu211= (NM_000364.4); c.612G>A, p.Glu204= (NM_001001430.3, NM_001276347.2); c.603G>A, p.Glu201= (NM_001001431.3); c.594G>A, p.Glu198= (NM_001001432.3); c.513G>A, p.Glu171= (NM_001276346.2); c.612G>A (NM_001001430.1).
Identifiers: ClinVar variation 1554510 (VCV001554510.10), dbSNP rs772300998, ClinGen allele CA089097.

ClinVar aggregate classification (germline): Likely benign. Review status: criteria provided, multiple submitters, no conflicts (2 of 4 stars). 3 submissions from 3 submitters: Likely benign (3). Last evaluated 2026-08-29.

Conditions:
Hypertrophic cardiomyopathy 2. Also called: TNNT2-Related Familial Hypertrophic Cardiomyopathy. Identifiers: MedGen C1861864, MONDO:0007266, OMIM 115195.
Dilated cardiomyopathy 1D. Identifiers: Orphanet 154, Orphanet 54260, MedGen C1832243, MONDO:0011095, OMIM 601494.
Cardiomyopathy, familial restrictive, 3. Identifiers: Orphanet 75249, MedGen C2676271, MONDO:0012900, OMIM 612422.
Cardiomyopathy (CMYO). Also called: Cardiomyopathies. Identifiers: Orphanet 167848, MedGen C0878544, MONDO:0004994, HP:0001638. Inheritance: Various modes of inheritance.
Cardiovascular phenotype. Identifiers: MedGen CN230736.

Allele frequency attached by ClinVar (database versions not stated): gnomAD exomes below 0.00001; TOPMed 0.00001; ExAC 0.00001; gnomAD 0.00001.
gnomAD v4.1: 7 of 1,614,090 alleles (0.00043%); highest among the groups gnomAD compares: South Asian, 0.0011%; no homozygotes.

Submissions (3):

Ambry Genetics
Classification: Likely benign for Cardiovascular phenotype. Last evaluated: 2026-08-29. Review status: criteria provided, single submitter. Criteria: Ambry Variant Classification Scheme 2023. Collection method: clinical testing. Allele origin: germline.

Labcorp Genetics (formerly Invitae), Labcorp
Classification: Likely benign for Cardiomyopathy, familial restrictive, 3; Hypertrophic cardiomyopathy 2; Dilated cardiomyopathy 1D. Last evaluated: 2024-12-09. Review status: criteria provided, single submitter. Criteria: Invitae Variant Classification Sherloc (09022015). Collection method: clinical testing. Allele origin: germline.

All of Us Research Program, National Institutes of Health
Classification: Likely benign for Cardiomyopathy. Last evaluated: 2023-06-28. Review status: criteria provided, single submitter. Criteria: ACMG Guidelines, 2015. Collection method: clinical testing. Allele origin: germline. Inheritance: Autosomal dominant inheritance. Observed: 2 variant alleles, 2 heterozygotes.
Comment: This study involves interpretation of variants in research participants for the purpose of population health screening. Participant phenotype was not available at the time of variant classification. Additional details can be found in publication PMID: 35346344, PMCID: PMC8962531